The following is an entry in ClinVar:

NM_016373.4(WWOX):c.739T>C (p.Leu247=)

Gene: WWOX (WW domain containing oxidoreductase; plus strand). Cytogenetic location: 16q23.1.
Variant type: single nucleotide variant.
Coding change: c.739T>C on transcript NM_016373.4 (MANE Select); coding-DNA position 739, T replaced by C.
Protein change: p.Leu247=; no amino-acid change (leucine 247 retained).
Molecular consequence: synonymous variant.
Genome position (GRCh38, 1-based): chr16:78,425,003, T>C. VCF-style: chr16-78425003-T-C. GRCh37 (hg19) VCF-style: chr16-78458900-T-C.
Other names: c.400T>C, p.Leu134= (NM_001291997.2).
Identifiers: ClinVar variation 509573 (VCV000509573.38), dbSNP rs1195368309, ClinGen allele CA496609290.

ClinVar aggregate classification (germline): Likely benign. Review status: criteria provided, multiple submitters, no conflicts (2 of 4 stars). 3 submissions from 3 submitters: Likely benign (3). Last evaluated 2025-06-29.

Conditions:
Autosomal recessive spinocerebellar ataxia 12. Also called: SPINOCEREBELLAR ATAXIA WITH MENTAL RETARDATION AND EPILEPSY. Identifiers: Orphanet 284282, MedGen C3280452, MONDO:0013687, OMIM 614322.
Developmental and epileptic encephalopathy, 1 (DEE1). Also called: X-linked infantile spasms; West's syndrome; Tonic spasms with clustering, arrest of psychomotor development and hypsarrhythmia on EEG; X-Linked Infantile Spasm Syndrome; Epileptic encephalopathy, early infantile, 1; OHTAHARA SYNDROME, X-LINKED. Identifiers: MedGen C3463992, MONDO:0010632, OMIM 308350. Disease mechanism: loss of function.

Allele frequency attached by ClinVar (database versions not stated): gnomAD exomes 0.00001; TOPMed 0.00002; gnomAD 0.00003 and 0.00004.
gnomAD v4.1: 28 of 1,613,982 alleles (0.0017%); highest among the groups gnomAD compares: Middle Eastern, 0.017%; no homozygotes.

Submissions (3):

Labcorp Genetics (formerly Invitae), Labcorp
Classification: Likely benign for Developmental and epileptic encephalopathy, 1; Autosomal recessive spinocerebellar ataxia 12. Last evaluated: 2025-06-29. Review status: criteria provided, single submitter. Criteria: Invitae Variant Classification Sherloc (09022015). Collection method: clinical testing. Allele origin: germline.

CeGaT Center for Human Genetics Tuebingen
Classification: Likely benign. Last evaluated: 2022-10-01. Review status: criteria provided, single submitter. Criteria: CeGaT Center For Human Genetics Tuebingen Variant Classification Criteria Version 2. Collection method: clinical testing. Allele origin: germline. Affected: yes. Observed: 1 variant allele.
Comment: WWOX: BP4, BP7

GeneDx
Classification: Likely benign. Last evaluated: 2019-10-10. Review status: criteria provided, single submitter. Criteria: GeneDx Variant Classification Process June 2021. Collection method: clinical testing. Allele origin: germline. Affected: yes.